The following is an entry in ClinVar:

ClinVar aggregate classification (germline): Uncertain significance (1 of 4 stars; one submission).

Submission:

Clinical Genomics Laboratory, Washington University in St. Louis
Classification: Uncertain significance. Last evaluated: 2025-11-20. Review status: criteria provided, single submitter. Criteria: ACMG Guidelines, 2015. Collection method: clinical testing. Allele origin: germline.
Comment: The SERPINB2 c.418G>C (p.Glu140Gln) variant, to our knowledge, has not been reported in the medical literature. This variant is absent from the general population (gnomAD v4.1.0), indicating it is not a common variant. Computational predictors indicate that this variant would alter splicing by weakening the acceptor site, which correlates with a potential impact on SERPINB2 function. Due to limited information, the clinical significance of this variant is uncertain.

NM_002575.3(SERPINB2):c.418G>C (p.Glu140Gln)

Gene: SERPINB2 (serpin family B member 2; plus strand). Cytogenetic location: 18q21.33.
Variant type: single nucleotide variant.
Coding change: c.418G>C on transcript NM_002575.3 (MANE Select); coding-DNA position 418, G replaced by C.
Protein change: p.Glu140Gln; replaces glutamic acid 140 with glutamine.
Molecular consequence: missense variant.
Genome position (GRCh38, 1-based): chr18:63,897,727, G>C. VCF-style: chr18-63897727-G-C. GRCh37 (hg19) VCF-style: chr18-61564961-G-C.
Other names: c.418G>C, p.Glu140Gln (NM_001143818.2); short protein forms E140Q.
Identifiers: ClinVar variation 4879543 (VCV004879543.1).